The following is an entry in ClinVar:

ClinVar aggregate classification (germline): Uncertain significance. Review status: criteria provided, multiple submitters, no conflicts (2 of 4 stars). 2 submissions from 2 submitters: Uncertain significance (2). Last evaluated 2025-11-04.

Conditions:
Inborn genetic diseases. Identifiers: MedGen C0950123, MeSH D030342.

gnomAD v4.1: 4 of 1,604,594 alleles (0.00025%); highest among the groups gnomAD compares: Non-Finnish European, 0.00034%; no homozygotes.

Submissions (2):

Ambry Genetics
Classification: Uncertain significance for Inborn genetic diseases. Last evaluated: 2025-11-04. Review status: criteria provided, single submitter. Criteria: Ambry Variant Classification Scheme 2023. Collection method: clinical testing. Allele origin: germline.
Comment: The p.I332T variant (also known as c.995T>C), located in coding exon 5 of the ETV6 gene, results from a T to C substitution at nucleotide position 995. The isoleucine at codon 332 is replaced by threonine, an amino acid with similar properties. This amino acid position is conserved. In addition, this alteration is predicted to be tolerated by in silico analysis. Based on the available evidence, the clinical significance of this variant remains unclear.

GeneDx
Classification: Uncertain significance. Last evaluated: 2023-07-24. Review status: criteria provided, single submitter. Criteria: GeneDx Variant Classification Process June 2021. Collection method: clinical testing. Allele origin: germline. Affected: yes.
Comment: Not observed at significant frequency in large population cohorts (gnomAD); In silico analysis supports that this missense variant does not alter protein structure/function; Has not been previously published as pathogenic or benign to our knowledge; This variant is associated with the following publications: (PMID: 28555414, 28637624)

NM_001987.5(ETV6):c.995T>C (p.Ile332Thr)

Gene: ETV6 (ETS variant transcription factor 6; plus strand). Cytogenetic location: 12p13.2.
Variant type: single nucleotide variant.
Coding change: c.995T>C on transcript NM_001987.5 (MANE Select); coding-DNA position 995, T replaced by C.
Protein change: p.Ile332Thr; replaces isoleucine 332 with threonine.
Molecular consequence: missense variant.
Genome position (GRCh38, 1-based): chr12:11,869,955, T>C. VCF-style: chr12-11869955-T-C. GRCh37 (hg19) VCF-style: chr12-12022889-T-C.
Other names: c.992T>C, p.Ile331Thr (NM_001413913.1); c.968T>C, p.Ile323Thr (NM_001413914.1); c.731T>C, p.Ile244Thr (NM_001413915.1); c.995T>C, p.Ile332Thr (NM_001413916.1, NM_001413917.1); short protein forms I244T, I323T, I331T, I332T.
Identifiers: ClinVar variation 3361360 (VCV003361360.3).